The following is an entry in ClinVar:

NM_001282112.2(TOP3B):c.2023C>G (p.Leu675Val)

Gene: TOP3B (DNA topoisomerase III beta; minus strand). Cytogenetic location: 22q11.22.
Variant type: single nucleotide variant.
Coding change: c.2023C>G on transcript NM_001282112.2 (MANE Select); coding-DNA position 2023, C replaced by G.
Protein change: p.Leu675Val; replaces leucine 675 with valine.
Molecular consequence: missense variant. On other transcripts: non-coding transcript variant (1).
Genome position (GRCh38, 1-based): chr22:21,958,576, G>C on the plus strand (C>G on the coding strand, the complement: TOP3B is on the minus strand). VCF-style: chr22-21958576-G-C. GRCh37 (hg19) VCF-style: chr22-22312948-G-C.
Other names: c.2023C>G, p.Leu675Val (NM_001282113.2, NM_001349845.2, NM_001349847.2 and 1 more transcripts); c.1615C>G, p.Leu539Val (NM_001349848.2, NM_001349850.2, NM_001349851.2 and 1 more transcripts); short protein forms L539V, L675V.
Identifiers: ClinVar variation 2632108 (VCV002632108.2), dbSNP rs762052661, ClinGen allele CA10125364.
Genomic context (GRCh38, chr22:21,958,576, plus strand): 5'-GGTGGTTGTAGCAGTAGGGGCACAGCGGGTAGCTCTTGCCCCGAGAGCCTGATGACCACA[G>C]GACCAGCTCGAAGTCATCCAGAGGGCAGCGGAGCTCCTTGTAGAGCTTGATGGTGCCGTT-3'
Protein context (NP_001269041.1, residues 665-685): RCPLDDFELV[Leu675Val]WSSGSRGKSY

ClinVar aggregate classification (germline): Uncertain significance (1 of 4 stars; one submission).

Conditions:
TOP3B-related disorder. Also called: TOP3B-related condition.

Allele frequency attached by ClinVar (database versions not stated): gnomAD exomes below 0.00001; TOPMed below 0.00001; ExAC 0.00001.
gnomAD v4.1: 2 of 1,614,150 alleles (0.00012%); highest among the groups gnomAD compares: Admixed American, 0.0033%; no homozygotes.

Submission:

PreventionGenetics, part of Exact Sciences
Classification: Uncertain significance for TOP3B-related condition. Last evaluated: 2025-07-11. Review status: criteria provided, single submitter. Criteria: ACMG Guidelines, 2015. Collection method: clinical testing. Allele origin: germline.
Comment: The TOP3B c.2023C>G variant is predicted to result in the amino acid substitution p.Leu675Val. To our knowledge, this variant has not been reported in the literature. This variant is reported in 0.0058% of alleles in individuals of Latino descent in gnomAD. At this time, the clinical significance of this variant is uncertain due to the absence of conclusive functional and genetic evidence.